The following is an entry in ClinVar:

NM_001999.4(FBN2):c.1168T>C (p.Cys390Arg)

Gene: FBN2 (fibrillin 2; minus strand). Cytogenetic location: 5q23.3.
Variant type: single nucleotide variant.
Coding change: c.1168T>C on transcript NM_001999.4 (MANE Select); coding-DNA position 1168, T replaced by C.
Protein change: p.Cys390Arg; replaces cysteine 390 with arginine.
Molecular consequence: missense variant.
Genome position (GRCh38, 1-based): chr5:128,395,185, A>G on the plus strand (T>C on the coding strand, the complement: FBN2 is on the minus strand). VCF-style: chr5-128395185-A-G. GRCh37 (hg19) VCF-style: chr5-127730878-A-G.
Other names: short protein forms C390R.
Identifiers: ClinVar variation 4803808 (VCV004803808.1).

ClinVar aggregate classification (germline): Uncertain significance (1 of 4 stars; one submission).

Conditions:
Congenital contractural arachnodactyly (CCA). Also called: BEALS SYNDROME; Beals-Hecht syndrome; Arthrogryposis, distal, type 9. Identifiers: Orphanet 115, MedGen C0220668, MONDO:0007363, OMIM 121050.

gnomAD v4.1: 1 of 1,614,176 alleles (0.000062%); highest among the groups gnomAD compares: South Asian, 0.0011%; no homozygotes.

Submission:

Labcorp Genetics (formerly Invitae), Labcorp
Classification: Uncertain significance for Congenital contractural arachnodactyly. Last evaluated: 2025-03-09. Review status: criteria provided, single submitter. Criteria: Invitae Variant Classification Sherloc (09022015). Collection method: clinical testing. Allele origin: germline.
Comment: This sequence change replaces cysteine, which is neutral and slightly polar, with arginine, which is basic and polar, at codon 390 of the FBN2 protein (p.Cys390Arg). This variant is present in population databases (rs752369473, gnomAD 0.003%). This variant has not been reported in the literature in individuals affected with FBN2-related conditions. Invitae Evidence Modeling of protein sequence and biophysical properties (such as structural, functional, and spatial information, amino acid conservation, physicochemical variation, residue mobility, and thermodynamic stability) indicates that this missense variant is expected to disrupt FBN2 protein function with a positive predictive value of 80%. In summary, the available evidence is currently insufficient to determine the role of this variant in disease. Therefore, it has been classified as a Variant of Uncertain Significance.